The following is an entry in ClinVar:

NM_012120.3(CD2AP):c.635G>T (p.Arg212Leu)

Gene: CD2AP (CD2 associated protein; plus strand). Cytogenetic location: 6p12.3.
Variant type: single nucleotide variant.
Coding change: c.635G>T on transcript NM_012120.3 (MANE Select); coding-DNA position 635, G replaced by T.
Protein change: p.Arg212Leu; replaces arginine 212 with leucine.
Molecular consequence: missense variant.
Genome position (GRCh38, 1-based): chr6:47,574,157, G>T. VCF-style: chr6-47574157-G-T. GRCh37 (hg19) VCF-style: chr6-47541893-G-T.
Other names: short protein forms R212L.
Identifiers: ClinVar variation 1422944 (VCV001422944.6), dbSNP rs754966889, ClinGen allele CA3844044.

ClinVar aggregate classification (germline): Uncertain significance (1 of 4 stars; one submission).

gnomAD v4.1: 14 of 1,613,976 alleles (0.00087%); highest among the groups gnomAD compares: Admixed American, 0.023%; no homozygotes.

Submission:

Labcorp Genetics (formerly Invitae), Labcorp
Classification: Uncertain significance. Last evaluated: 2021-08-11. Review status: criteria provided, single submitter. Criteria: Invitae Variant Classification Sherloc (09022015). Collection method: clinical testing. Allele origin: germline.
Comment: This variant has not been reported in the literature in individuals affected with CD2AP-related conditions. In summary, the available evidence is currently insufficient to determine the role of this variant in disease. Therefore, it has been classified as a Variant of Uncertain Significance. Algorithms developed to predict the effect of missense changes on protein structure and function (SIFT, PolyPhen-2, Align-GVGD) all suggest that this variant is likely to be tolerated. This variant is present in population databases (rs754966889, ExAC 0.04%). This sequence change replaces arginine with leucine at codon 212 of the CD2AP protein (p.Arg212Leu). The arginine residue is moderately conserved and there is a moderate physicochemical difference between arginine and leucine.